The following is an entry in ClinVar:

NM_012481.5(IKZF3):c.1423G>A (p.Gly475Ser)

Gene: IKZF3 (IKAROS family zinc finger 3; minus strand). Cytogenetic location: 17q12.
Variant type: single nucleotide variant.
Coding change: c.1423G>A on transcript NM_012481.5 (MANE Select); coding-DNA position 1423, G replaced by A.
Protein change: p.Gly475Ser; replaces glycine 475 with serine.
Molecular consequence: missense variant.
Genome position (GRCh38, 1-based): chr17:39,765,897, C>T on the plus strand (G>A on the coding strand, the complement: IKZF3 is on the minus strand). VCF-style: chr17-39765897-C-T. GRCh37 (hg19) VCF-style: chr17-37922150-C-T.
Other names: c.1321G>A, p.Gly441Ser (NM_001257408.2); c.1204G>A, p.Gly402Ser (NM_001257409.2); c.1162G>A, p.Gly388Ser (NM_001257410.2); c.994G>A, p.Gly332Ser (NM_001257411.2); c.877G>A, p.Gly293Ser (NM_001257412.2); c.760G>A, p.Gly254Ser (NM_001257413.2); c.1021G>A, p.Gly341Ser (NM_001257414.2); c.682G>A, p.Gly228Ser (NM_001284514.2, NM_001284515.2, NM_001284516.1); and 4 more; short protein forms G380S, G436S, G441S, G228S, G402S, G341S, G388S, G397S.
Identifiers: ClinVar variation 5000813 (VCV005000813.1).

ClinVar aggregate classification (germline): Uncertain significance (1 of 4 stars; one submission).

Conditions:
IKZF3-related condition.

gnomAD v4.1: 2 of 1,614,236 alleles (0.00012%); highest among the groups gnomAD compares: East Asian, 0.0022%; no homozygotes.

Submission:

PreventionGenetics, part of Exact Sciences
Classification: Uncertain significance for IKZF3-related condition. Last evaluated: 2025-01-30. Review status: criteria provided, single submitter. Criteria: ACMG Guidelines, 2015. Collection method: clinical testing. Allele origin: germline.
Comment: The IKZF3 c.1423G>A variant is predicted to result in the amino acid substitution p.Gly475Ser. To our knowledge, this variant has not been reported in the literature or in a large population database (gnomAD), indicating this variant is rare. At this time, the clinical significance of this variant is uncertain due to the absence of conclusive functional and genetic evidence.